The following is an entry in ClinVar:

ClinVar aggregate classification (germline): Benign/Likely benign. Review status: criteria provided, multiple submitters, no conflicts (2 of 4 stars). 6 submissions from 6 submitters: Benign (1); Likely benign (4). 1 of the submissions does not count toward it. Last evaluated 2026-01-13.

Conditions:
Hereditary cancer-predisposing syndrome. Also called: Hereditary Cancer Syndrome; Hereditary neoplastic syndrome; Tumor predisposition; Neoplastic Syndromes, Hereditary. Identifiers: Orphanet 140162, MedGen C0027672, MeSH D009386, MONDO:0015356.
Familial cancer of breast. Also called: BREAST CANCER, FAMILIAL; hereditary breast carcinoma; Hereditary breast cancer. Identifiers: Orphanet 227535, MedGen C0346153, MONDO:0016419, OMIM 114480. Disease mechanism: loss of function.

Allele frequency attached by ClinVar (database versions not stated): gnomAD exomes below 0.00001; ExAC 0.00001; gnomAD 0.00001; TOPMed 0.00001; ESP Exome Variant Server 0.00008.
gnomAD v4.1: 2 of 1,614,096 alleles (0.00012%); highest among the groups gnomAD compares: Non-Finnish European, 0.00017%; no homozygotes.

Submissions (6):

Labcorp Genetics (formerly Invitae), Labcorp
Classification: Likely benign for Familial cancer of breast. Last evaluated: 2026-01-13. Review status: criteria provided, single submitter. Criteria: Invitae Variant Classification Sherloc (09022015). Collection method: clinical testing. Allele origin: germline.

Women's Health and Genetics/Laboratory Corporation of America, LabCorp
Classification: Likely benign. Last evaluated: 2025-04-15. Review status: criteria provided, single submitter. Criteria: LabCorp Variant Classification Summary - May 2015. Collection method: clinical testing. Allele origin: germline.
Comment: Variant summary: PALB2 c.1380A>G alters a non-conserved nucleotide resulting in a synonymous change. Consensus agreement among computation tools predict no significant impact on normal splicing. However, these predictions have yet to be confirmed by functional studies. The variant allele was found at a frequency of 4e-06 in 250904 control chromosomes. The available data on variant occurrences in the general population are insufficient to allow any conclusion about variant significance. c.1380A>G has been observed in individual(s) affected with Breast Cancer without strong evidence for causality (example: Casadei_2011). These report(s) do not provide unequivocal conclusions about association of the variant with Breast Cancer. To our knowledge, no experimental evidence demonstrating an impact on protein function has been reported. The following publication has been ascertained in the context of this evaluation (PMID: 21285249). ClinVar contains an entry for this variant (Variation ID: 126599). Based on the evidence outlined above, the variant was classified as likely benign.

Myriad Genetics, Inc.
Classification: Benign for Familial cancer of breast. Last evaluated: 2025-01-13. Review status: criteria provided, single submitter. Criteria: Myriad Autosomal Dominant, Autosomal Recessive and X-Linked Classification Criteria (2023). Collection method: clinical testing. Allele origin: unknown.
Comment: This variant is considered benign. This variant is a silent/synonymous amino acid change and it is not expected to impact splicing.

Color Diagnostics, LLC DBA Color Health
Classification: Likely benign for Hereditary cancer-predisposing syndrome. Last evaluated: 2022-12-14. Review status: criteria provided, single submitter. Criteria: ACMG Guidelines, 2015. Collection method: clinical testing. Allele origin: germline.

Ambry Genetics
Classification: Likely benign for Hereditary cancer-predisposing syndrome. Last evaluated: 2019-02-25. Review status: criteria provided, single submitter. Criteria: Ambry Variant Classification Scheme 2023. Collection method: clinical testing. Allele origin: germline.

Leiden Open Variation Database
Classification: Benign for Familial cancer of breast. Last evaluated: 2019-05-13. Review status: no assertion criteria provided. Collection method: curation. Allele origin: germline. Affected: yes. Not counted in ClinVar's aggregate classification.
Comment: Curators: Marc Tischkowitz, Arleen D. Auerbach. Submitter to LOVD: Marc Tischkowitz.

Literature cited by the submitters: PubMed 21285249 (cited by 3 submitters).

NM_024675.4(PALB2):c.1380A>G (p.Gln460=)

Gene: PALB2 (partner and localizer of BRCA2; minus strand). Cytogenetic location: 16p12.2.
Variant type: single nucleotide variant.
Coding change: c.1380A>G on transcript NM_024675.4 (MANE Select); coding-DNA position 1380, A replaced by G.
Protein change: p.Gln460=; no amino-acid change (glutamine 460 retained).
Molecular consequence: synonymous variant.
Genome position (GRCh38, 1-based): chr16:23,635,166, T>C on the plus strand (A>G on the coding strand, the complement: PALB2 is on the minus strand). VCF-style: chr16-23635166-T-C. GRCh37 (hg19) VCF-style: chr16-23646487-T-C.
Identifiers: ClinVar variation 126599 (VCV000126599.22), dbSNP rs372641262, ClinGen allele CA269489.
Genomic context (GRCh38, chr16:23,635,166, plus strand): 5'-TTTCTGAGAGGTTCTTGAACTTGGTTGTCCTGTGCATGTGCCAGACATCCTAATTTCACT[T>C]TGGTCAGTTTCCTCATTGGAAAGGTTTAAATTTTTACTTGCATCCTTATTTTTATTTTTA-3'
Protein context (NP_078951.2, residues 450-470): NLNLSNEETD[Gln460=]SEIRMSGTCT